The following is an entry in ClinVar:

ClinVar aggregate classification (germline): Likely benign. Review status: criteria provided, multiple submitters, no conflicts (2 of 4 stars). 2 submissions from 2 submitters: Likely benign (2). Last evaluated 2025-02-15.

Allele frequency attached by ClinVar (database versions not stated): TOPMed below 0.00001.
gnomAD v4.1: 24 of 1,614,188 alleles (0.0015%); highest among the groups gnomAD compares: Non-Finnish European, 0.002%; no homozygotes.

Submissions (2):

Labcorp Genetics (formerly Invitae), Labcorp
Classification: Likely benign. Last evaluated: 2025-02-15. Review status: criteria provided, single submitter. Criteria: Invitae Variant Classification Sherloc (09022015). Collection method: clinical testing. Allele origin: germline.

CeGaT Center for Human Genetics Tuebingen
Classification: Likely benign. Last evaluated: 2022-08-01. Review status: criteria provided, single submitter. Criteria: CeGaT Center For Human Genetics Tuebingen Variant Classification Criteria Version 2. Collection method: clinical testing. Allele origin: germline. Affected: yes. Observed: 1 variant allele.
Comment: ERCC6: PM2:Supporting, BP4, BP7

NM_000124.4(ERCC6):c.3201A>C (p.Thr1067=)

Gene: ERCC6 (ERCC excision repair 6, chromatin remodeling factor; minus strand). Cytogenetic location: 10q11.23.
Variant type: single nucleotide variant.
Coding change: c.3201A>C on transcript NM_000124.4 (MANE Select); coding-DNA position 3201, A replaced by C.
Protein change: p.Thr1067=; no amino-acid change (threonine 1067 retained).
Molecular consequence: synonymous variant.
Genome position (GRCh38, 1-based): chr10:49,470,759, T>G on the plus strand (A>C on the coding strand, the complement: ERCC6 is on the minus strand). VCF-style: chr10-49470759-T-G. GRCh37 (hg19) VCF-style: chr10-50678805-T-G.
Other names: c.3201A>C, p.Thr1067= (NM_001346440.2).
Identifiers: ClinVar variation 1136015 (VCV001136015.31), dbSNP rs940129413, ClinGen allele CA206584885.